The following is an entry in ClinVar:

NM_033118.4(MYLK2):c.255del (p.Ala87fs)

Gene: MYLK2 (myosin light chain kinase 2; plus strand). Cytogenetic location: 20q11.21.
Variant type: Deletion.
Coding change: c.255del on transcript NM_033118.4 (MANE Select); coding-DNA position 255, one base deleted (G; older notation c.255delG).
Protein change: p.Ala87fs; shifts the reading frame from alanine 87.
Molecular consequence: frameshift variant.
Genome position (GRCh38, 1-based): chr20:31,820,328, G deleted; the last of 6 consecutive G bases (chr20:31,820,323-31,820,328); deleting any one gives the same sequence. VCF-style (leftmost placement, unchanged base first): chr20-31820322-CG-C. GRCh37 (hg19) VCF-style: chr20-30408125-CG-C.
Other names: short protein forms A87fs.
Identifiers: ClinVar variation 2808498 (VCV002808498.3), dbSNP rs1455902610, ClinGen allele CA635267863.
Genomic context (GRCh38, chr20:31,820,322, plus strand): 5'-TGGTACCCTGGCCCAACCCTCAACTAGCAGCCAAGGCCCCAAAGGAGAGGGTGACAGGGG[CG>C]GGGGGCCCGCGGAGGGCAGTGCTGGGCCCCCGGCAGCCCTGCCCCAGCAGACTGCGACAC-3'

ClinVar aggregate classification (germline): Uncertain significance (1 of 4 stars; one submission).

Conditions:
Hypertrophic cardiomyopathy 1 (CMH1). Also called: MYH7-Related Familial Hypertrophic Cardiomyopathy; Familial hypertrophic cardiomyopathy 1. Identifiers: MedGen C3495498, MONDO:0008647, OMIM 192600.

Submission:

Labcorp Genetics (formerly Invitae), Labcorp
Classification: Uncertain significance for Hypertrophic cardiomyopathy 1. Last evaluated: 2025-04-22. Review status: criteria provided, single submitter. Criteria: Invitae Variant Classification Sherloc (09022015). Collection method: clinical testing. Allele origin: germline.
Comment: This sequence change creates a premature translational stop signal (p.Ala87Argfs*95) in the MYLK2 gene. It is expected to result in an absent or disrupted protein product. However, the current clinical and genetic evidence is not sufficient to establish whether loss-of-function variants in MYLK2 cause disease. This variant is not present in population databases (gnomAD no frequency). This variant has not been reported in the literature in individuals affected with MYLK2-related conditions. ClinVar contains an entry for this variant (Variation ID: 2808498). In summary, the available evidence is currently insufficient to determine the role of this variant in disease. Therefore, it has been classified as a Variant of Uncertain Significance.